The following is an entry in ClinVar:

NM_001369268.1(ACAN):c.1784T>C (p.Leu595Pro)

Gene: ACAN (aggrecan; plus strand). Cytogenetic location: 15q26.1.
Variant type: single nucleotide variant.
Coding change: c.1784T>C on transcript NM_001369268.1 (MANE Select); coding-DNA position 1784, T replaced by C.
Protein change: p.Leu595Pro; replaces leucine 595 with proline.
Molecular consequence: missense variant.
Genome position (GRCh38, 1-based): chr15:88,849,489, T>C. VCF-style: chr15-88849489-T-C. GRCh37 (hg19) VCF-style: chr15-89392720-T-C.
Other names: c.1784T>C, p.Leu595Pro (NM_001135.4, NM_001411096.1, NM_001411097.1 and 1 more transcripts); short protein forms L595P.
Identifiers: ClinVar variation 1903283 (VCV001903283.5), dbSNP rs1296237665, ClinGen allele CA393711286.

ClinVar aggregate classification (germline): Uncertain significance (1 of 4 stars; one submission).

Allele frequency attached by ClinVar (database versions not stated): gnomAD 0.00001; gnomAD exomes 0.00001; TOPMed 0.00001.
gnomAD v4.1: 9 of 1,607,354 alleles (0.00056%); highest among the groups gnomAD compares: African/African-American, 0.0013%; no homozygotes.

Submission:

Labcorp Genetics (formerly Invitae), Labcorp
Classification: Uncertain significance. Last evaluated: 2022-10-26. Review status: criteria provided, single submitter. Criteria: Invitae Variant Classification Sherloc (09022015). Collection method: clinical testing. Allele origin: germline.
Comment: In summary, the available evidence is currently insufficient to determine the role of this variant in disease. Therefore, it has been classified as a Variant of Uncertain Significance. Advanced modeling of protein sequence and biophysical properties (such as structural, functional, and spatial information, amino acid conservation, physicochemical variation, residue mobility, and thermodynamic stability) performed at Invitae indicates that this missense variant is not expected to disrupt ACAN protein function. This variant has not been reported in the literature in individuals affected with ACAN-related conditions. The frequency data for this variant in the population databases is considered unreliable, as metrics indicate poor data quality at this position in the gnomAD database. This sequence change replaces leucine, which is neutral and non-polar, with proline, which is neutral and non-polar, at codon 595 of the ACAN protein (p.Leu595Pro).